The following is an entry in ClinVar:

ClinVar aggregate classification (germline): Uncertain significance (1 of 4 stars; one submission).

Conditions:
LAMA2-related muscular dystrophy (LAMA2-RD). Also called: Laminin alpha 2-related dystrophy. Identifiers: MedGen C5679788, MONDO:0100228.

Allele frequency attached by ClinVar (database versions not stated): gnomAD exomes 0.00001; TOPMed 0.00001.
gnomAD v4.1: 4 of 1,612,048 alleles (0.00025%); highest among the groups gnomAD compares: Non-Finnish European, 0.00034%; no homozygotes.

Submission:

Labcorp Genetics (formerly Invitae), Labcorp
Classification: Uncertain significance for LAMA2-related muscular dystrophy. Last evaluated: 2021-11-12. Review status: criteria provided, single submitter. Criteria: Invitae Variant Classification Sherloc (09022015). Collection method: clinical testing. Allele origin: germline.
Comment: This sequence change replaces glycine, which is neutral and non-polar, with serine, which is neutral and polar, at codon 2459 of the LAMA2 protein (p.Gly2459Ser). This variant is present in population databases (no rsID available, gnomAD 0.0009%). This variant has not been reported in the literature in individuals affected with LAMA2-related conditions. Advanced modeling of protein sequence and biophysical properties (such as structural, functional, and spatial information, amino acid conservation, physicochemical variation, residue mobility, and thermodynamic stability) performed at Invitae indicates that this missense variant is not expected to disrupt LAMA2 protein function. Algorithms developed to predict the effect of sequence changes on RNA splicing suggest that this variant may create or strengthen a splice site. In summary, the available evidence is currently insufficient to determine the role of this variant in disease. Therefore, it has been classified as a Variant of Uncertain Significance.

NM_000426.4(LAMA2):c.7375G>A (p.Gly2459Ser)

Gene: LAMA2 (laminin subunit alpha 2; plus strand). Cytogenetic location: 6q22.33.
Variant type: single nucleotide variant.
Coding change: c.7375G>A on transcript NM_000426.4 (MANE Select); coding-DNA position 7375, G replaced by A.
Protein change: p.Gly2459Ser; replaces glycine 2459 with serine.
Molecular consequence: missense variant.
Genome position (GRCh38, 1-based): chr6:129,473,288, G>A. VCF-style: chr6-129473288-G-A. GRCh37 (hg19) VCF-style: chr6-129794433-G-A.
Other names: c.7375G>A, p.Gly2459Ser (NM_001079823.2); short protein forms G2459S.
Identifiers: ClinVar variation 1470474 (VCV001470474.3), dbSNP rs977127618, ClinGen allele CA146898567.
Genomic context (GRCh38, chr6:129,473,288, plus strand): 5'-GTAGATATAGATACTAATCAGGAGGAGAATATAGCAACTTCGTCTTCTGGAAACAACTTT[G>A]GTCTTGACTTGAAAGCAGATGACAAAATATATTTTGGTGGCCTGCCAACGCTGAGAAACT-3'
Protein context (NP_000417.3, residues 2449-2469): IATSSSGNNF[Gly2459Ser]LDLKADDKIY